The following is an entry in ClinVar:

ClinVar aggregate classification (germline): Uncertain significance. Review status: criteria provided, multiple submitters, no conflicts (2 of 4 stars). 3 submissions from 3 submitters: Uncertain significance (3). Last evaluated 2025-11-30.

Conditions:
Colorectal cancer, hereditary nonpolyposis, type 7. Identifiers: Orphanet 144, MedGen C1858380, MONDO:0013725, OMIM 614385.

Allele frequency attached by ClinVar (database versions not stated): gnomAD 0.00001; TOPMed 0.00001.

Submissions (3):

Ambry Genetics
Classification: Uncertain significance. Last evaluated: 2025-11-30. Review status: criteria provided, single submitter. Criteria: Ambry Variant Classification Scheme 2023. Collection method: clinical testing. Allele origin: germline.
Comment: The p.L252S variant (also known as c.755T>C), located in coding exon 1 of the MLH3 gene, results from a T to C substitution at nucleotide position 755. The leucine at codon 252 is replaced by serine, an amino acid with dissimilar properties. This amino acid position is conserved. In addition, this alteration is predicted to be deleterious by in silico analysis. Since supporting evidence is limited at this time, the clinical significance of this alteration remains unclear.

Labcorp Genetics (formerly Invitae), Labcorp
Classification: Uncertain significance for Colorectal cancer, hereditary nonpolyposis, type 7. Last evaluated: 2022-03-01. Review status: criteria provided, single submitter. Criteria: Invitae Variant Classification Sherloc (09022015). Collection method: clinical testing. Allele origin: germline.
Comment: In summary, the available evidence is currently insufficient to determine the role of this variant in disease. Therefore, it has been classified as a Variant of Uncertain Significance. Algorithms developed to predict the effect of missense changes on protein structure and function are either unavailable or do not agree on the potential impact of this missense change (SIFT: "Deleterious"; PolyPhen-2: "Probably Damaging"; Align-GVGD: "Class C0"). This variant has not been reported in the literature in individuals affected with MLH3-related conditions. This variant is not present in population databases (gnomAD no frequency). This sequence change replaces leucine, which is neutral and non-polar, with serine, which is neutral and polar, at codon 252 of the MLH3 protein (p.Leu252Ser).

Breakthrough Genomics
Classification: Uncertain significance. Review status: criteria provided, single submitter. Criteria: ACMG Guidelines, 2015. Collection method: not provided. Allele origin: germline. Inheritance: Autosomal dominant inheritance. Affected: yes.

NM_001040108.2(MLH3):c.755T>C (p.Leu252Ser)

Gene: MLH3 (mutL homolog 3; minus strand). Cytogenetic location: 14q24.3.
Variant type: single nucleotide variant.
Coding change: c.755T>C on transcript NM_001040108.2 (MANE Select); coding-DNA position 755, T replaced by C.
Protein change: p.Leu252Ser; replaces leucine 252 with serine.
Molecular consequence: missense variant.
Genome position (GRCh38, 1-based): chr14:75,048,901, A>G on the plus strand (T>C on the coding strand, the complement: MLH3 is on the minus strand). VCF-style: chr14-75048901-A-G. GRCh37 (hg19) VCF-style: chr14-75515604-A-G.
Other names: c.755T>C, p.Leu252Ser (NM_014381.3); short protein forms L252S.
Identifiers: ClinVar variation 1447612 (VCV001447612.11), dbSNP rs1892461704, ClinGen allele CA390449234.